The following is an entry in ClinVar:

NM_024301.5(FKRP):c.1195G>A (p.Glu399Lys)

Gene: FKRP (fukutin related protein; plus strand). Cytogenetic location: 19q13.32.
Variant type: single nucleotide variant.
Coding change: c.1195G>A on transcript NM_024301.5 (MANE Select); coding-DNA position 1195, G replaced by A.
Protein change: p.Glu399Lys; replaces glutamic acid 399 with lysine.
Molecular consequence: missense variant.
Genome position (GRCh38, 1-based): chr19:46,756,645, G>A. VCF-style: chr19-46756645-G-A. GRCh37 (hg19) VCF-style: chr19-47259902-G-A.
Other names: c.1195G>A, p.Glu399Lys (NM_001039885.3); short protein forms E399K.
Identifiers: ClinVar variation 966847 (VCV000966847.8), dbSNP rs1230638385, ClinGen allele CA406496839.

ClinVar aggregate classification (germline): Uncertain significance. Review status: criteria provided, multiple submitters, no conflicts (2 of 4 stars). 5 submissions from 5 submitters: Uncertain significance (4). 1 of the submissions does not count toward it. Last evaluated 2025-03-28.

Conditions:
Walker-Warburg congenital muscular dystrophy. Also called: Muscular dystrophy-dystroglycanopathy, type A; Walker-Warburg syndrome. Identifiers: Orphanet 899, MedGen C0265221, MONDO:0000171.
Muscular dystrophy-dystroglycanopathy (congenital with brain and eye anomalies), type A1 (MDDGA1). Also called: Muscular dystrophy-dystroglycanopathy (congenital with brain and eye anomalies), type A, 1; COD-MD SYNDROME; WALKER-WARBURG SYNDROME OR MUSCLE-EYE-BRAIN DISEASE, POMT1-RELATED; Hydrocephalus, agyria and retinal dysplasia; Hard +/- E syndrome; Warburg syndrome. Identifiers: Orphanet 588, Orphanet 899, MedGen C4284790, MONDO:0009364, OMIM 236670.
Muscular dystrophy-dystroglycanopathy (congenital with brain and eye anomalies), type A5. Also called: MUSCULAR DYSTROPHY-DYSTROGLYCANOPATHY (CONGENITAL WITH BRAIN AND EYE ANOMALIES), TYPE A, 5; WALKER-WARBURG SYNDROME OR MUSCLE-EYE-BRAIN DISEASE, FKRP-RELATED. Identifiers: Orphanet 588, Orphanet 899, MedGen C3150413, MONDO:0013157, OMIM 613153.
Autosomal recessive limb-girdle muscular dystrophy type 2I. Also called: MUSCULAR DYSTROPHY-DYSTROGLYCANOPATHY (LIMB-GIRDLE), TYPE C, 5; MUSCULAR DYSTROPHY-DYSTROGLYCANOPATHY, LIMB-GIRDLE, FRKP-RELATED; MUSCULAR DYSTROPHY, LIMB-GIRDLE, TYPE 2I. Identifiers: Orphanet 34515, MedGen C1846672, MONDO:0011787, OMIM 607155.
Muscular dystrophy-dystroglycanopathy type B5 (MDDGB5). Also called: MUSCULAR DYSTROPHY-DYSTROGLYCANOPATHY (CONGENITAL WITH OR WITHOUT IMPAIRED INTELLECTUAL DEVELOPMENT), TYPE B, 5; MUSCULAR DYSTROPHY, CONGENITAL, 1C; MUSCULAR DYSTROPHY, CONGENITAL, FKRP-RELATED. Identifiers: MedGen C1847759, MONDO:0011688, OMIM 606612.

Allele frequency attached by ClinVar (database versions not stated): gnomAD exomes below 0.00001.

Submissions (5):

Women's Health and Genetics/Laboratory Corporation of America, LabCorp
Classification: Uncertain significance. Last evaluated: 2025-03-28. Review status: criteria provided, single submitter. Criteria: LabCorp Variant Classification Summary - May 2015. Collection method: clinical testing. Allele origin: germline.

Labcorp Genetics (formerly Invitae), Labcorp
Classification: Uncertain significance for Walker-Warburg congenital muscular dystrophy. Last evaluated: 2021-10-03. Review status: criteria provided, single submitter. Criteria: Invitae Variant Classification Sherloc (09022015). Collection method: clinical testing. Allele origin: germline.
Comment: This sequence change replaces glutamic acid with lysine at codon 399 of the FKRP protein (p.Glu399Lys). The glutamic acid residue is highly conserved and there is a small physicochemical difference between glutamic acid and lysine. This variant is not present in population databases (ExAC no frequency). This variant has not been reported in the literature in individuals affected with FKRP-related conditions. Algorithms developed to predict the effect of missense changes on protein structure and function are either unavailable or do not agree on the potential impact of this missense change (SIFT: "Deleterious"; PolyPhen-2: "Probably Damaging"; Align-GVGD: "Class C0"). In summary, the available evidence is currently insufficient to determine the role of this variant in disease. Therefore, it has been classified as a Variant of Uncertain Significance.

Fulgent Genetics
Classification: Uncertain significance for Muscular dystrophy-dystroglycanopathy (congenital with brain and eye anomalies), type A1; Muscular dystrophy-dystroglycanopathy type B5; Autosomal recessive limb-girdle muscular dystrophy type 2I; Muscular dystrophy-dystroglycanopathy (congenital with brain and eye anomalies), type A5. Last evaluated: 2021-08-20. Review status: criteria provided, single submitter. Criteria: ACMG Guidelines, 2015. Collection method: clinical testing. Allele origin: unknown.

Athena Diagnostics
Classification: Uncertain significance. Last evaluated: 2020-06-03. Review status: criteria provided, single submitter. Criteria: Athena Diagnostics Criteria. Collection method: clinical testing. Allele origin: unknown.

Natera, Inc.
Classification: Uncertain significance for Limb-girdle muscular dystrophy type 2I. Last evaluated: 2021-01-27. Review status: no assertion criteria provided. Collection method: clinical testing. Allele origin: germline. Not counted in ClinVar's aggregate classification.